The following is an entry in ClinVar:

ClinVar aggregate classification (germline): Conflicting classifications of pathogenicity. Review status: criteria provided, conflicting classifications (1 of 4 stars). 3 submissions from 3 submitters: Uncertain significance (2); Benign (1). Last evaluated 2026-02-16.

Conditions:
Nephronophthisis 15 (NPHP15). Identifiers: Orphanet 3156, MedGen C3541853, MONDO:0013917, OMIM 614845.
CEP164-related disorder. Also called: CEP164-related condition.

Allele frequency attached by ClinVar (database versions not stated): TOPMed 0.00002; gnomAD exomes 0.00024; 1000 Genomes Project 30x 0.00031; 1000 Genomes Project 0.00040; gnomAD 0.00050 and 0.00054.
gnomAD v4.1: 426 of 1,607,474 alleles (0.027%); highest among the groups gnomAD compares: Non-Finnish European, 0.0046%; no homozygotes.

Submissions (3):

PreventionGenetics, part of Exact Sciences
Classification: Uncertain significance for CEP164-related condition. Last evaluated: 2026-02-16. Review status: criteria provided, single submitter. Criteria: ACMG Guidelines, 2015. Collection method: clinical testing. Allele origin: germline.
Comment: The CEP164 c.1410-2A>G variant is predicted to disrupt the AG splice acceptor site and interfere with normal splicing. This variant has been reported in a carrier analysis of autosomal recessive inherited retinal diseases (Table S3, Hanany et al. 2020. PubMed ID: 31964843). Although loss of function is an established mechanism of CEP164-related disease, this consensus splice acceptor is predicted to result in an in-frame deletion of 56 amino acid residues. To our knowledge, consensus splice variants flanking this exon (c.1410_1577) have not been documented to be associated with disorders in the literature. This variant is reported in 0.66% of alleles in individuals of European (Finnish) descent in gnomAD and is interpreted as benign in ClinVar (Variation ID: 1170643). At this time, the clinical significance of this variant is uncertain due to the absence of conclusive functional and genetic evidence.

Labcorp Genetics (formerly Invitae), Labcorp
Classification: Benign for Nephronophthisis 15. Last evaluated: 2026-01-26. Review status: criteria provided, single submitter. Criteria: Invitae Variant Classification Sherloc (09022015). Collection method: clinical testing. Allele origin: germline.

Blueprint Genetics
Classification: Uncertain significance. Last evaluated: 2024-11-13. Review status: criteria provided, single submitter. Criteria: ACMG Guidelines, 2015. Collection method: clinical testing. Allele origin: germline.

NM_014956.5(CEP164):c.1410-2A>G

Gene: CEP164 (centrosomal protein 164; plus strand). Cytogenetic location: 11q23.3.
Variant type: single nucleotide variant.
Coding change: c.1410-2A>G on transcript NM_014956.5 (MANE Select); the canonical splice acceptor site of the intron before coding-DNA position 1410, A replaced by G.
Molecular consequence: splice acceptor variant.
Genome position (GRCh38, 1-based): chr11:117,381,699, A>G. VCF-style: chr11-117381699-A-G. GRCh37 (hg19) VCF-style: chr11-117252415-A-G.
Other names: c.1410-2A>G (NM_014956.4); c.1419-2A>G (NM_001271933.2).
Identifiers: ClinVar variation 1170643 (VCV001170643.11), dbSNP rs200074826, ClinGen allele CA6294754.